The following is an entry in ClinVar:

ClinVar aggregate classification (germline): Uncertain significance (1 of 4 stars; one submission).

Conditions:
Adenylosuccinate lyase deficiency (ADSLD). Also called: ADSL DEFICIENCY. Identifiers: Orphanet 46, MedGen C0268126, MONDO:0007068, OMIM 103050.

Submission:

Labcorp Genetics (formerly Invitae), Labcorp
Classification: Uncertain significance for Adenylosuccinate lyase deficiency. Last evaluated: 2021-07-06. Review status: criteria provided, single submitter. Criteria: Invitae Variant Classification Sherloc (09022015). Collection method: clinical testing. Allele origin: germline.
Comment: This variant occurs in a non-coding region of the ADSL gene. It does not change the encoded amino acid sequence of the ADSL protein. The frequency data for this variant in the population databases is considered unreliable, as metrics indicate insufficient coverage at this position in the ExAC database. This variant has not been reported in the literature in individuals affected with ADSL-related conditions. Experimental studies and prediction algorithms are not available or were not evaluated, and the functional significance of this variant is currently unknown. In summary, the available evidence is currently insufficient to determine the role of this variant in disease. Therefore, it has been classified as a Variant of Uncertain Significance.

NC_000022.11:g.40346377A>T

Gene: ADSL (adenylosuccinate lyase; plus strand). Cytogenetic location: 22q13.1.
Variant type: single nucleotide variant.
Genome position: GRCh38 VCF-style: chr22-40346377-A-T. GRCh37 (hg19) VCF-style: chr22-40742381-A-T.
Identifiers: ClinVar variation 1497421 (VCV001497421.6), dbSNP rs749450413, ClinGen allele CA2573158354.